The following is an entry in ClinVar:

ClinVar aggregate classification (germline): Pathogenic (1 of 4 stars; one submission).

Conditions:
Hereditary breast ovarian cancer syndrome. Also called: Hereditary breast and ovarian cancer syndrome; Breast and ovarian cancer; Hereditary breast and ovarian cancer; Hereditary breast and/or ovarian cancer syndrome; Hereditary breast and ovarian cancer syndrome (HBOC); BRCA1- and BRCA2-Associated Hereditary Breast and Ovarian Cancer. Identifiers: Orphanet 145, MedGen C0677776, MeSH D061325, MONDO:0003582. Disease mechanism: loss of function.

Submission:

Labcorp Genetics (formerly Invitae), Labcorp
Classification: Pathogenic for Hereditary breast and ovarian cancer syndrome. Last evaluated: 2018-05-08. Review status: criteria provided, single submitter. Criteria: Invitae Variant Classification Sherloc (09022015). Collection method: clinical testing. Allele origin: germline.
Comment: This sequence change creates a premature translational stop signal (p.Tyr2839Hisfs*5) in the BRCA2 gene. It is expected to result in an absent or disrupted protein product. This variant is not present in population databases (ExAC no frequency). This variant has not been reported in the literature in individuals with BRCA2-related disease. Loss-of-function variants in BRCA2 are known to be pathogenic (PMID: 20104584). For these reasons, this variant has been classified as Pathogenic.

NM_000059.4(BRCA2):c.8515_8516del (p.Tyr2839fs)

Gene: BRCA2 (BRCA2 DNA repair associated; plus strand). Cytogenetic location: 13q13.1.
Variant type: Microsatellite.
Coding change: c.8515_8516del on transcript NM_000059.4 (MANE Select); coding-DNA positions 8515 to 8516, 2 bases deleted (TA; older notation c.8515_8516delTA).
Protein change: p.Tyr2839fs; shifts the reading frame from tyrosine 2839.
Molecular consequence: frameshift variant.
Genome position (GRCh38, 1-based): chr13:32,370,983-32,370,984, TA deleted; deleting any 2 consecutive bases within chr13:32,370,981-32,370,984 gives the same sequence; the c. name uses the placement nearest the transcript's 3' end. VCF-style (leftmost placement, unchanged base first): chr13-32370980-TTA-T. GRCh37 (hg19) VCF-style: chr13-32945117-TTA-T.
Other names: c.8515_8516delTA (NM_000059.3); short protein forms Y2839fs.
Identifiers: ClinVar variation 571118 (VCV000571118.1), dbSNP rs1566249217, ClinGen allele CA891843899.